The following is an entry in ClinVar:

ClinVar aggregate classification (germline): Uncertain significance (1 of 4 stars; one submission).

Conditions:
Gingival disorder. Also called: Gingival disease. Identifiers: MedGen C0017563, MONDO:0002021.

Submission:

Labcorp Genetics (formerly Invitae), Labcorp
Classification: Uncertain significance for Gingival disorder. Last evaluated: 2024-02-14. Review status: criteria provided, single submitter. Criteria: Invitae Variant Classification Sherloc (09022015). Collection method: clinical testing. Allele origin: germline.
Comment: This sequence change replaces glycine, which is neutral and non-polar, with arginine, which is basic and polar, at codon 111 of the FPR1 protein (p.Gly111Arg). This variant is not present in population databases (gnomAD no frequency). This variant has not been reported in the literature in individuals affected with FPR1-related conditions. An algorithm developed to predict the effect of missense changes on protein structure and function (PolyPhen-2) suggests that this variant is likely to be disruptive. In summary, the available evidence is currently insufficient to determine the role of this variant in disease. Therefore, it has been classified as a Variant of Uncertain Significance.

NM_002029.4(FPR1):c.331G>C (p.Gly111Arg)

Gene: FPR1 (formyl peptide receptor 1; minus strand). Cytogenetic location: 19q13.41.
Variant type: single nucleotide variant.
Coding change: c.331G>C on transcript NM_002029.4 (MANE Select); coding-DNA position 331, G replaced by C.
Protein change: p.Gly111Arg; replaces glycine 111 with arginine.
Molecular consequence: missense variant.
Genome position (GRCh38, 1-based): chr19:51,746,664, C>G on the plus strand (G>C on the coding strand, the complement: FPR1 is on the minus strand). VCF-style: chr19-51746664-C-G. GRCh37 (hg19) VCF-style: chr19-52249917-C-G.
Other names: c.331G>C, p.Gly111Arg (NM_001193306.2); short protein forms G111R.
Identifiers: ClinVar variation 3640800 (VCV003640800.2).